The following is an entry in ClinVar:

ClinVar aggregate classification (germline): Likely pathogenic. Review status: criteria provided, multiple submitters, no conflicts (2 of 4 stars). 3 submissions from 3 submitters: Likely pathogenic (2). 1 of the submissions does not count toward it. Last evaluated 2026-01-21.

Conditions:
Autosomal recessive limb-girdle muscular dystrophy type 2E (LGMDR4). Also called: MUSCULAR DYSTROPHY, LIMB-GIRDLE, AUTOSOMAL RECESSIVE 4. Identifiers: Orphanet 119, MedGen C1858593, MONDO:0011423, OMIM 604286. Disease mechanism: Affects gamma-sarcoglycan and also disrupts the integrity of the entire sarcoglycan complex..

Submissions (3):

Myriad Genetics, Inc.
Classification: Likely pathogenic for Autosomal recessive limb-girdle muscular dystrophy type 2E. Last evaluated: 2026-01-21. Review status: criteria provided, single submitter. Criteria: Myriad Autosomal Dominant, Autosomal Recessive and X-Linked Classification Criteria (2023). Collection method: clinical testing. Allele origin: unknown.
Comment: NM_000232.4(SGCB):c.630C>G(S210R) is a missense variant classified as likely pathogenic in the context of beta-sarcoglycanopathy. S210R has been observed in cases with relevant disease (PMID: 38193396, Madrid_2015_(Abstract)). Relevant functional assessments of this variant are available in the literature (PMID: 37317968). S210R has not been observed in referenced population frequency databases. In summary, NM_000232.4(SGCB):c.630C>G(S210R) is a missense variant that has functional support for pathogenicity and has been observed more frequently in cases with the relevant disease than in healthy populations. Please note: this variant was assessed in the context of healthy population screening.

Hadassah Hebrew University Medical Center
Classification: Likely pathogenic for Autosomal recessive limb-girdle muscular dystrophy type 2E. Review status: criteria provided, single submitter. Criteria: ACMG Guidelines, 2015. Collection method: clinical testing. Allele origin: germline. Inheritance: Autosomal recessive inheritance. Affected: yes.

Natera, Inc.
Classification: Uncertain significance for Limb-girdle muscular dystrophy type 2E. Last evaluated: 2025-01-23. Review status: no assertion criteria provided. Collection method: clinical testing. Allele origin: germline. Not counted in ClinVar's aggregate classification.

Literature cited by the submitters: PubMed 37317968 (cited by Myriad Genetics, Inc.).

NM_000232.5(SGCB):c.630C>G (p.Ser210Arg)

Gene: SGCB (sarcoglycan beta; minus strand). Cytogenetic location: 4q12.
Variant type: single nucleotide variant.
Coding change: c.630C>G on transcript NM_000232.5 (MANE Select); coding-DNA position 630, C replaced by G.
Protein change: p.Ser210Arg; replaces serine 210 with arginine.
Molecular consequence: missense variant.
Genome position (GRCh38, 1-based): chr4:52,028,091, G>C on the plus strand (C>G on the coding strand, the complement: SGCB is on the minus strand). VCF-style: chr4-52028091-G-C. GRCh37 (hg19) VCF-style: chr4-52894257-G-C.
Other names: short protein forms S210R.
Identifiers: ClinVar variation 2627111 (VCV002627111.3), dbSNP rs2109370066, ClinGen allele CA356876295.